The following is an entry in ClinVar:

NM_000435.3(NOTCH3):c.3211G>A (p.Val1071Met)

Gene: NOTCH3 (notch receptor 3; minus strand). Cytogenetic location: 19p13.12.
Variant type: single nucleotide variant.
Coding change: c.3211G>A on transcript NM_000435.3 (MANE Select); coding-DNA position 3211, G replaced by A.
Protein change: p.Val1071Met; replaces valine 1071 with methionine.
Molecular consequence: missense variant.
Genome position (GRCh38, 1-based): chr19:15,180,188, C>T on the plus strand (G>A on the coding strand, the complement: NOTCH3 is on the minus strand). VCF-style: chr19-15180188-C-T. GRCh37 (hg19) VCF-style: chr19-15290999-C-T.
Other names: short protein forms V1071M.
Identifiers: ClinVar variation 3656453 (VCV003656453.2).

ClinVar aggregate classification (germline): Uncertain significance (1 of 4 stars; one submission).

gnomAD v4.1: 13 of 1,613,760 alleles (0.00081%); highest among the groups gnomAD compares: Middle Eastern, 0.017%; no homozygotes.

Submission:

Labcorp Genetics (formerly Invitae), Labcorp
Classification: Uncertain significance. Last evaluated: 2024-05-06. Review status: criteria provided, single submitter. Criteria: Invitae Variant Classification Sherloc (09022015). Collection method: clinical testing. Allele origin: germline.
Comment: This sequence change replaces valine, which is neutral and non-polar, with methionine, which is neutral and non-polar, at codon 1071 of the NOTCH3 protein (p.Val1071Met). This variant is present in population databases (no rsID available, gnomAD 0.0009%). This variant has not been reported in the literature in individuals affected with NOTCH3-related conditions. Advanced modeling of protein sequence and biophysical properties (such as structural, functional, and spatial information, amino acid conservation, physicochemical variation, residue mobility, and thermodynamic stability) performed at Invitae indicates that this missense variant is not expected to disrupt NOTCH3 protein function with a negative predictive value of 95%. In summary, the available evidence is currently insufficient to determine the role of this variant in disease. Therefore, it has been classified as a Variant of Uncertain Significance.